The following is an entry in ClinVar:

ClinVar aggregate classification (germline): Pathogenic (1 of 4 stars; one submission).

Conditions:
Asphyxiating thoracic dystrophy 3. Also called: SHORT-RIB THORACIC DYSPLASIA 3 WITH OR WITHOUT POLYDACTYLY; POLYDACTYLY WITH NEONATAL CHONDRODYSTROPHY, TYPE I; SHORT-RIB THORACIC DYSPLASIA 3/6 WITH POLYDACTYLY, DIGENIC; Short rib polydactyly syndrome 2B; Saldino-Noonan Syndrome. Identifiers: Orphanet 474, Orphanet 93269, Orphanet 93270, Orphanet 93271, MedGen C0036069, MONDO:0013127, OMIM 613091.

Submission:

Myriad Genetics, Inc.
Classification: Pathogenic for Asphyxiating thoracic dystrophy 3. Last evaluated: 2026-06-24. Review status: criteria provided, single submitter. Criteria: Myriad Autosomal Dominant, Autosomal Recessive and X-Linked Classification Criteria (2023). Collection method: clinical testing. Allele origin: unknown.
Comment: NM_001377.2(DYNC2H1):c.6741delA(D2248Tfs*2) is a frameshift variant classified as pathogenic in the context of DYNC2H1-related disorders. D2248Tfs*2 has not been observed in cases with relevant disease. Relevant functional assessments of this variant are not available in the literature. D2248Tfs*2 has not been observed in referenced population frequency databases. In summary, NM_001377.2(DYNC2H1):c.6741delA(D2248Tfs*2) is a frameshift variant in a gene where loss of function is a known mechanism of disease and is predicted to disrupt protein function. Please note: this variant was assessed in the context of healthy population screening.

NM_001377.3(DYNC2H1):c.6741del (p.Asp2248fs)

Gene: DYNC2H1 (dynein cytoplasmic 2 heavy chain 1; plus strand). Cytogenetic location: 11q22.3.
Variant type: Deletion.
Coding change: c.6741del on transcript NM_001377.3 (MANE Select); coding-DNA position 6741, one base deleted (A; older notation c.6741delA).
Protein change: p.Asp2248fs; shifts the reading frame from aspartic acid 2248.
Molecular consequence: frameshift variant.
Genome position (GRCh38, 1-based): chr11:103,186,349, A deleted; the last of 2 consecutive A bases (chr11:103,186,348-103,186,349); deleting either gives the same sequence. VCF-style (leftmost placement, unchanged base first): chr11-103186347-GA-G. GRCh37 (hg19) VCF-style: chr11-103057076-GA-G.
Other names: c.6741del, p.Asp2248fs (NM_001080463.2); short protein forms D2248fs.
Identifiers: ClinVar variation 5003974 (VCV005003974.1).
Genomic context (GRCh38, chr11:103,186,347, plus strand): 5'-ATGGATACCTACTATGACTCTACTAGGGGTCGATTAGCAACATATGTGCTTAAGAAGCCA[GA>G]AGACTTGACTGCTGATGATTTCAGTAACGGCTTAACTCTTCCAGTCATTCAGACTCCTGA-3'